The following is an entry in ClinVar:

NM_000059.4(BRCA2):c.7749T>C (p.Asp2583=)

Gene: BRCA2 (BRCA2 DNA repair associated; plus strand). Cytogenetic location: 13q13.1.
Variant type: single nucleotide variant.
Coding change: c.7749T>C on transcript NM_000059.4 (MANE Select); coding-DNA position 7749, T replaced by C.
Protein change: p.Asp2583=; no amino-acid change (aspartic acid 2583 retained).
Molecular consequence: synonymous variant.
Genome position (GRCh38, 1-based): chr13:32,357,873, T>C. VCF-style: chr13-32357873-T-C. GRCh37 (hg19) VCF-style: chr13-32932010-T-C.
Identifiers: ClinVar variation 184108 (VCV000184108.17), dbSNP rs786201284, ClinGen allele CA025254.

ClinVar aggregate classification (germline): Likely benign. Review status: reviewed by expert panel (3 of 4 stars). 5 submissions from 5 submitters: Likely benign (1). 4 of the submissions do not count toward it. Last evaluated 2017-06-29.

Conditions:
Hereditary cancer-predisposing syndrome. Also called: Tumor predisposition; Hereditary Cancer Syndrome; Hereditary neoplastic syndrome; Neoplastic Syndromes, Hereditary. Identifiers: Orphanet 140162, MedGen C0027672, MeSH D009386, MONDO:0015356.
Hereditary breast ovarian cancer syndrome. Also called: Breast and ovarian cancer; Hereditary breast and ovarian cancer syndrome; Hereditary breast and ovarian cancer; BRCA1- and BRCA2-Associated Hereditary Breast and Ovarian Cancer; Hereditary breast and ovarian cancer syndrome (HBOC); Hereditary breast and/or ovarian cancer syndrome. Identifiers: Orphanet 145, MedGen C0677776, MeSH D061325, MONDO:0003582. Disease mechanism: loss of function.
Breast-ovarian cancer, familial, susceptibility to, 2 (BROVCA2). Also called: BRCA2 Hereditary Breast and Ovarian Cancer. Identifiers: Orphanet 145, MedGen C2675520, MONDO:0012933, OMIM 612555. Disease mechanism: loss of function.

Allele frequency attached by ClinVar (database versions not stated): gnomAD exomes below 0.00001.
gnomAD v4.1: 1 of 1,614,160 alleles (0.000062%); highest among the groups gnomAD compares: African/African-American, 0.0013%; no homozygotes.

Submissions (5):

Evidence-based Network for the Interpretation of Germline Mutant Alleles (ENIGMA)
Classification: Likely benign for Breast-ovarian cancer, familial, susceptibility to, 2. Last evaluated: 2017-06-29. Review status: reviewed by expert panel. Criteria: ENIGMA BRCA1/2 Classification Criteria (2017-06-29). Collection method: curation. Allele origin: germline.
Comment: Synonymous substitution variant, with low bioinformatic likelihood to result in a splicing aberration (Splicing prior probability 0.02).

Labcorp Genetics (formerly Invitae), Labcorp
Classification: Likely benign for Hereditary breast ovarian cancer syndrome. Last evaluated: 2024-04-18. Review status: criteria provided, single submitter. Criteria: Invitae Variant Classification Sherloc (09022015). Collection method: clinical testing. Allele origin: germline. Not counted in ClinVar's aggregate classification.

All of Us Research Program, National Institutes of Health
Classification: Likely benign for Breast-ovarian cancer, familial, susceptibility to, 2. Last evaluated: 2023-02-24. Review status: criteria provided, single submitter. Criteria: ACMG Guidelines, 2015. Collection method: clinical testing. Allele origin: germline. Inheritance: Autosomal dominant inheritance. Observed: 1 variant allele, 1 heterozygote. Not counted in ClinVar's aggregate classification.
Comment: This study involves interpretation of variants in research participants for the purpose of population health screening. Participant phenotype was not available at the time of variant classification. Additional details can be found in publication PMID: 35346344, PMCID: PMC8962531

Women's Health and Genetics/Laboratory Corporation of America, LabCorp
Classification: Likely benign. Last evaluated: 2019-08-21. Review status: criteria provided, single submitter. Criteria: LabCorp Variant Classification Summary - May 2015. Collection method: clinical testing. Allele origin: germline. Not counted in ClinVar's aggregate classification.

Ambry Genetics
Classification: Likely benign for Hereditary cancer-predisposing syndrome. Last evaluated: 2014-11-24. Review status: criteria provided, single submitter. Criteria: Ambry Variant Classification Scheme 2023. Collection method: clinical testing. Allele origin: germline. Not counted in ClinVar's aggregate classification.